The following is an entry in ClinVar:

ClinVar aggregate classification (germline): Uncertain significance (1 of 4 stars; one submission).

Allele frequency attached by ClinVar (database versions not stated): gnomAD exomes below 0.00001.
gnomAD v4.1: 2 of 1,609,112 alleles (0.00012%); highest among the groups gnomAD compares: Non-Finnish European, 0.00017%; no homozygotes.

Submission:

CeGaT Center for Human Genetics Tuebingen
Classification: Uncertain significance. Last evaluated: 2022-08-01. Review status: criteria provided, single submitter. Criteria: CeGaT Center For Human Genetics Tuebingen Variant Classification Criteria Version 2. Collection method: clinical testing. Allele origin: germline. Affected: yes. Observed: 1 variant allele.
Comment: SYBU: PM2

NM_001099754.2(SYBU):c.1835T>C (p.Leu612Pro)

Gene: SYBU (syntabulin; minus strand). Cytogenetic location: 8q23.2.
Variant type: single nucleotide variant.
Coding change: c.1835T>C on transcript NM_001099754.2 (MANE Select); coding-DNA position 1835, T replaced by C.
Protein change: p.Leu612Pro; replaces leucine 612 with proline.
Molecular consequence: missense variant.
Genome position (GRCh38, 1-based): chr8:109,575,063, A>G on the plus strand (T>C on the coding strand, the complement: SYBU is on the minus strand). VCF-style: chr8-109575063-A-G. GRCh37 (hg19) VCF-style: chr8-110587292-A-G.
Other names: c.1832T>C, p.Leu611Pro (NM_001099743.2, NM_001099747.2, NM_001099751.2 and 2 more transcripts); c.1835T>C, p.Leu612Pro (NM_001099744.2, NM_001099745.2, NM_001099748.2 and 2 more transcripts); c.1478T>C, p.Leu493Pro (NM_001099746.2, NM_001099749.2, NM_001099755.2); c.1826T>C, p.Leu609Pro (NM_001099756.1); c.1445T>C, p.Leu482Pro (NM_001330596.2); c.1346T>C, p.Leu449Pro (NM_001363032.2); short protein forms L449P, L482P, L493P, L609P, L611P, L612P.
Identifiers: ClinVar variation 2658755 (VCV002658755.24), dbSNP rs2536861691, ClinGen allele CA371979280.